The following is an entry in ClinVar:

NM_006282.5(STK4):c.343C>T (p.Arg115Ter)

Gene: STK4 (serine/threonine kinase 4; plus strand). Cytogenetic location: 20q13.12.
Variant type: single nucleotide variant.
Coding change: c.343C>T on transcript NM_006282.5 (MANE Select); coding-DNA position 343, C replaced by T.
Protein change: p.Arg115Ter; replaces arginine 115 with a stop codon.
Molecular consequence: nonsense.
Genome position (GRCh38, 1-based): chr20:44,981,926, C>T. VCF-style: chr20-44981926-C-T. GRCh37 (hg19) VCF-style: chr20-43610567-C-T.
Other names: c.343C>T (NM_006282.3); c.343C>T, p.Arg115Ter (NM_001352385.2); short protein forms R115*.
Identifiers: ClinVar variation 3587269 (VCV003587269.4).

ClinVar aggregate classification (germline): Pathogenic/Likely pathogenic. Review status: criteria provided, multiple submitters, no conflicts (2 of 4 stars). 4 submissions from 4 submitters: Pathogenic (2); Likely pathogenic (2). Last evaluated 2026-01-16.

Conditions:
Combined immunodeficiency due to STK4 deficiency (IMD110). Also called: STK4 DEFICIENCY; MST1 DEFICIENCY; T-cell immunodeficiency, recurrent infections, and autoimmunity with or without cardiac malformations. Identifiers: Orphanet 314689, MedGen C3553943, MONDO:0013934, OMIM 614868.
STK4-related disorder. Also called: STK4-related condition.

gnomAD v4.1: 11 of 1,612,406 alleles (0.00068%); highest among the groups gnomAD compares: Admixed American, 0.0033%; no homozygotes.

Submissions (4):

Labcorp Genetics (formerly Invitae), Labcorp
Classification: Pathogenic for Combined immunodeficiency due to STK4 deficiency. Last evaluated: 2026-01-16. Review status: criteria provided, single submitter. Criteria: Invitae Variant Classification Sherloc (09022015). Collection method: clinical testing. Allele origin: germline.
Comment: This sequence change creates a premature translational stop signal (p.Arg115*) in the STK4 gene. It is expected to result in an absent or disrupted protein product. Loss-of-function variants in STK4 are known to be pathogenic (PMID: 22174160). This variant is present in population databases (rs751997042, gnomAD 0.003%). This premature translational stop signal has been observed in individual(s) with clinical features of STK4-related conditions (PMID: 22952854). ClinVar contains an entry for this variant (Variation ID: 3587269). Algorithms developed to predict the effect of sequence changes on RNA splicing suggest that this variant may disrupt the consensus splice site. For these reasons, this variant has been classified as Pathogenic.

PreventionGenetics, part of Exact Sciences
Classification: Likely pathogenic for STK4-related condition. Last evaluated: 2025-05-21. Review status: criteria provided, single submitter. Criteria: ACMG Guidelines, 2015. Collection method: clinical testing. Allele origin: germline.
Comment: The STK4 c.343C>T variant is predicted to result in premature protein termination (p.Arg115*). This variant has been reported in the homozygous state in an individual with T-cell deficiency associated with epidermodysplasia verruciformis - human papillomavirus (EV-HPV), bacterial, and fungal infections (Crequer et al. 2012. PubMed ID: 22952854). This variant is reported in 0.0029% of alleles in individuals of Latino descent in gnomAD. Nonsense variants in STK4 are expected to be pathogenic. This variant is interpreted as likely pathogenic.

Fulgent Genetics
Classification: Pathogenic for Combined immunodeficiency due to STK4 deficiency. Last evaluated: 2024-01-17. Review status: criteria provided, single submitter. Criteria: ACMG Guidelines, 2015. Collection method: clinical testing. Allele origin: germline.

Blueprint Genetics
Classification: Likely pathogenic for STK4-related disorders. Last evaluated: 2022-07-06. Review status: criteria provided, single submitter. Criteria: ACMG Guidelines, 2015. Collection method: clinical testing. Allele origin: germline. Affected: yes. Observed: 4 variant alleles.

Literature cited by the submitters: PubMed 22174160 (cited by Labcorp Genetics (formerly Invitae), Labcorp); PubMed 22952854 (cited by Labcorp Genetics (formerly Invitae), Labcorp).